The following is an entry in ClinVar:

ClinVar aggregate classification (germline): Uncertain significance (1 of 4 stars; one submission).

Submission:

Labcorp Genetics (formerly Invitae), Labcorp
Classification: Uncertain significance. Last evaluated: 2021-05-01. Review status: criteria provided, single submitter. Criteria: Invitae Variant Classification Sherloc (09022015). Collection method: clinical testing. Allele origin: germline.
Comment: This variant is not present in population databases (ExAC no frequency). This sequence change replaces valine with leucine at codon 919 of the CACNA2D4 protein (p.Val919Leu). The valine residue is weakly conserved and there is a small physicochemical difference between valine and leucine. This variant has not been reported in the literature in individuals with CACNA2D4-related conditions. In summary, the available evidence is currently insufficient to determine the role of this variant in disease. Therefore, it has been classified as a Variant of Uncertain Significance. Algorithms developed to predict the effect of missense changes on protein structure and function output the following: SIFT: "Tolerated"; PolyPhen-2: "Benign"; Align-GVGD: "Class C0". The leucine amino acid residue is found in multiple mammalian species, suggesting that this missense change does not adversely affect protein function. These predictions have not been confirmed by published functional studies and their clinical significance is uncertain.

NM_172364.5(CACNA2D4):c.2755G>C (p.Val919Leu)

Gene: CACNA2D4 (calcium voltage-gated channel auxiliary subunit alpha2delta 4; minus strand). Cytogenetic location: 12p13.33.
Variant type: single nucleotide variant.
Coding change: c.2755G>C on transcript NM_172364.5 (MANE Select); coding-DNA position 2755, G replaced by C.
Protein change: p.Val919Leu; replaces valine 919 with leucine.
Molecular consequence: missense variant.
Genome position (GRCh38, 1-based): chr12:1,801,611, C>G on the plus strand (G>C on the coding strand, the complement: CACNA2D4 is on the minus strand). VCF-style: chr12-1801611-C-G. GRCh37 (hg19) VCF-style: chr12-1910777-C-G.
Other names: short protein forms V919L.
Identifiers: ClinVar variation 937415 (VCV000937415.9), dbSNP rs1863331994, ClinGen allele CA383349357.